The following is an entry in ClinVar:

ClinVar aggregate classification (germline): Uncertain significance. Review status: criteria provided, multiple submitters, no conflicts (2 of 4 stars). 2 submissions from 2 submitters: Uncertain significance (2). Last evaluated 2022-12-12.

Conditions:
Atrial septal defect 5 (ASD5). Identifiers: Orphanet 1478, MedGen C2748552, MONDO:0013011, OMIM 612794.
Hypertrophic cardiomyopathy 11. Also called: ACTC1-Related Familial Hypertrophic Cardiomyopathy. Identifiers: MedGen C2677506, MONDO:0012799, OMIM 612098.
Dilated cardiomyopathy 1R (CMD1R). Identifiers: Orphanet 154, Orphanet 54260, MedGen C3150681, MONDO:0013261, OMIM 613424.

Submissions (2):

GeneDx
Classification: Uncertain significance. Last evaluated: 2022-12-12. Review status: criteria provided, single submitter. Criteria: GeneDx Variant Classification Process June 2021. Collection method: clinical testing. Allele origin: germline. Affected: yes.
Comment: Reported in association with HCM (Wang et al., 2014; Murphy et al., 2016); Not observed at significant frequency in large population cohorts (gnomAD); In silico analysis supports that this missense variant has a deleterious effect on protein structure/function; This variant is associated with the following publications: (PMID: 25132132, 26914223, 26582918, 27535533)

Labcorp Genetics (formerly Invitae), Labcorp
Classification: Uncertain significance for Dilated cardiomyopathy 1R; Hypertrophic cardiomyopathy 11; Atrial septal defect 5. Last evaluated: 2020-11-18. Review status: criteria provided, single submitter. Criteria: Invitae Variant Classification Sherloc (09022015). Collection method: clinical testing. Allele origin: germline.
Comment: This variant has been observed in several individuals affected with hypertrophic cardiomyopathy (PMID: 25132132, 26914223). ClinVar contains an entry for this variant (Variation ID: 377435). This sequence change replaces histidine with glutamine at codon 103 of the ACTC1 protein (p.His103Gln). The histidine residue is highly conserved and there is a small physicochemical difference between histidine and glutamine. This variant is not present in population databases (ExAC no frequency). Algorithms developed to predict the effect of missense changes on protein structure and function are either unavailable or do not agree on the potential impact of this missense change (SIFT: "Deleterious"; PolyPhen-2: "Benign"; Align-GVGD: "Class C15"). In summary, the available evidence is currently insufficient to determine the role of this variant in disease. Therefore, it has been classified as a Variant of Uncertain Significance.

Literature cited by the submitters: PubMed 25132132 (cited by Labcorp Genetics (formerly Invitae), Labcorp); PubMed 26914223 (cited by Labcorp Genetics (formerly Invitae), Labcorp).

NM_005159.5(ACTC1):c.309C>A (p.His103Gln)

Genes: GJD2-DT (GJD2 divergent transcript; plus strand), ACTC1 (actin alpha cardiac muscle 1; minus strand). Cytogenetic location: 15q14.
Variant type: single nucleotide variant.
Coding change: c.309C>A on transcript NM_005159.5 (MANE Select); coding-DNA position 309, C replaced by A.
Protein change: p.His103Gln; replaces histidine 103 with glutamine.
Molecular consequence: missense variant.
Genome position (GRCh38, 1-based): chr15:34,793,390, G>T on the plus strand (C>A on the coding strand, the complement: ACTC1 is on the minus strand). VCF-style: chr15-34793390-G-T. GRCh37 (hg19) VCF-style: chr15-35085591-G-T.
Other names: c.309C>A (LRG_388t1); short protein forms H103Q.
Identifiers: ClinVar variation 377435 (VCV000377435.11), dbSNP rs769303249, ClinGen allele CA16607774.